The following is an entry in ClinVar:

NM_016032.4(ZDHHC9):c.716T>C (p.Val239Ala)

Gene: ZDHHC9 (zDHHC palmitoyltransferase 9; minus strand). Cytogenetic location: Xq26.1.
Variant type: single nucleotide variant.
Coding change: c.716T>C on transcript NM_016032.4 (MANE Select); coding-DNA position 716, T replaced by C.
Protein change: p.Val239Ala; replaces valine 239 with alanine.
Molecular consequence: missense variant.
Genome position (GRCh38, 1-based): chrX:129,812,779, A>G on the plus strand (T>C on the coding strand, the complement: ZDHHC9 is on the minus strand). VCF-style: chrX-129812779-A-G. GRCh37 (hg19) VCF-style: chrX-128946755-A-G.
Other names: c.716T>C, p.Val239Ala (NM_001008222.3); short protein forms V239A.
Identifiers: ClinVar variation 4741335 (VCV004741335.1).

ClinVar aggregate classification (germline): Uncertain significance (1 of 4 stars; one submission).

Conditions:
Intellectual developmental disorder, X-linked, syndromic, Raymond type. Also called: Syndromic X-linked intellectual disability Raymond type. Identifiers: MedGen C3275406, MONDO:0010427, OMIM 300799.

Submission:

Labcorp Genetics (formerly Invitae), Labcorp
Classification: Uncertain significance for Intellectual developmental disorder, X-linked, syndromic, Raymond type. Last evaluated: 2025-04-01. Review status: criteria provided, single submitter. Criteria: Invitae Variant Classification Sherloc (09022015). Collection method: clinical testing. Allele origin: germline.
Comment: This sequence change replaces valine, which is neutral and non-polar, with alanine, which is neutral and non-polar, at codon 239 of the ZDHHC9 protein (p.Val239Ala). This variant is not present in population databases (gnomAD no frequency). This variant has not been reported in the literature in individuals affected with ZDHHC9-related conditions. Invitae Evidence Modeling of protein sequence and biophysical properties (such as structural, functional, and spatial information, amino acid conservation, physicochemical variation, residue mobility, and thermodynamic stability) indicates that this missense variant is expected to disrupt ZDHHC9 protein function with a positive predictive value of 80%. In summary, the available evidence is currently insufficient to determine the role of this variant in disease. Therefore, it has been classified as a Variant of Uncertain Significance.